The following is an entry in ClinVar:

ClinVar aggregate classification (germline): Uncertain significance. Review status: criteria provided, multiple submitters, no conflicts (2 of 4 stars). 2 submissions from 2 submitters: Uncertain significance (2). Last evaluated 2025-12-19.

Conditions:
Epileptic encephalopathy. Identifiers: MedGen C0543888, HP:0200134.

Allele frequency attached by ClinVar (database versions not stated): TOPMed 0.00002.
gnomAD v4.1: 38 of 1,612,502 alleles (0.0024%); highest among the groups gnomAD compares: Admixed American, 0.05%; no homozygotes.

Submissions (2):

Labcorp Genetics (formerly Invitae), Labcorp
Classification: Uncertain significance for Epileptic encephalopathy. Last evaluated: 2025-12-19. Review status: criteria provided, single submitter. Criteria: Invitae Variant Classification Sherloc (09022015). Collection method: clinical testing. Allele origin: germline.
Comment: This sequence change replaces threonine, which is neutral and polar, with methionine, which is neutral and non-polar, at codon 980 of the FASN protein (p.Thr980Met). This variant is present in population databases (rs777367345, gnomAD 0.06%), and has an allele count higher than expected for a pathogenic variant. This variant has not been reported in the literature in individuals affected with FASN-related conditions. ClinVar contains an entry for this variant (Variation ID: 999386). An algorithm developed to predict the effect of missense changes on protein structure and function outputs the following: PolyPhen-2: "Benign". The methionine amino acid residue is found in multiple mammalian species, which suggests that this missense change does not adversely affect protein function. In summary, the available evidence is currently insufficient to determine the role of this variant in disease. Therefore, it has been classified as a Variant of Uncertain Significance.

Ambry Genetics
Classification: Uncertain significance. Last evaluated: 2024-01-23. Review status: criteria provided, single submitter. Criteria: Ambry Variant Classification Scheme 2023. Collection method: clinical testing. Allele origin: germline.

NM_004104.5(FASN):c.2939C>T (p.Thr980Met)

Gene: FASN (fatty acid synthase; minus strand). Cytogenetic location: 17q25.3.
Variant type: single nucleotide variant.
Coding change: c.2939C>T on transcript NM_004104.5 (MANE Select); coding-DNA position 2939, C replaced by T.
Protein change: p.Thr980Met; replaces threonine 980 with methionine.
Molecular consequence: missense variant.
Genome position (GRCh38, 1-based): chr17:82,087,789, G>A on the plus strand (C>T on the coding strand, the complement: FASN is on the minus strand). VCF-style: chr17-82087789-G-A. GRCh37 (hg19) VCF-style: chr17-80045665-G-A.
Other names: c.2939C>T (NM_004104.4); short protein forms T980M.
Identifiers: ClinVar variation 999386 (VCV000999386.9), dbSNP rs777367345, ClinGen allele CA8852573.